The following is an entry in ClinVar:

ClinVar aggregate classification (germline): Uncertain significance. Review status: criteria provided, multiple submitters, no conflicts (2 of 4 stars). 2 submissions from 2 submitters: Uncertain significance (2). Last evaluated 2025-12-17.

Conditions:
Hereditary cancer-predisposing syndrome. Also called: Hereditary Cancer Syndrome; Tumor predisposition; Hereditary neoplastic syndrome; Neoplastic Syndromes, Hereditary. Identifiers: Orphanet 140162, MedGen C0027672, MeSH D009386, MONDO:0015356.

Allele frequency attached by ClinVar (database versions not stated): gnomAD exomes below 0.00001.
gnomAD v4.1: 1 of 1,614,158 alleles (0.000062%); highest among the groups gnomAD compares: Non-Finnish European, 0.000085%; no homozygotes.

Submissions (2):

Labcorp Genetics (formerly Invitae), Labcorp
Classification: Uncertain significance. Last evaluated: 2025-12-17. Review status: criteria provided, single submitter. Criteria: Invitae Variant Classification Sherloc (09022015). Collection method: clinical testing. Allele origin: germline.
Comment: This sequence change replaces alanine, which is neutral and non-polar, with serine, which is neutral and polar, at codon 62 of the CTNNA1 protein (p.Ala62Ser). This variant is present in population databases (no rsID available, gnomAD 0.0009%). This variant has not been reported in the literature in individuals affected with CTNNA1-related conditions. ClinVar contains an entry for this variant (Variation ID: 1040901). Invitae Evidence Modeling of protein sequence and biophysical properties (such as structural, functional, and spatial information, amino acid conservation, physicochemical variation, residue mobility, and thermodynamic stability) indicates that this missense variant is not expected to disrupt CTNNA1 protein function with a negative predictive value of 80%. In summary, the available evidence is currently insufficient to determine the role of this variant in disease. Therefore, it has been classified as a Variant of Uncertain Significance.

Ambry Genetics
Classification: Uncertain significance for Hereditary cancer-predisposing syndrome. Last evaluated: 2025-06-28. Review status: criteria provided, single submitter. Criteria: Ambry Variant Classification Scheme 2023. Collection method: clinical testing. Allele origin: germline.
Comment: The p.A62S variant (also known as c.184G>T), located in coding exon 2 of the CTNNA1 gene, results from a G to T substitution at nucleotide position 184. The alanine at codon 62 is replaced by serine, an amino acid with similar properties. This amino acid position is conserved. In addition, this alteration is predicted to be tolerated by in silico analysis. Since supporting evidence is limited at this time, the clinical significance of this alteration remains unclear.

NM_001903.5(CTNNA1):c.184G>T (p.Ala62Ser)

Gene: CTNNA1 (catenin alpha 1; plus strand). Cytogenetic location: 5q31.2.
Variant type: single nucleotide variant.
Coding change: c.184G>T on transcript NM_001903.5 (MANE Select); coding-DNA position 184, G replaced by T.
Protein change: p.Ala62Ser; replaces alanine 62 with serine.
Molecular consequence: missense variant. On other transcripts: 5 prime UTR variant (1), intron variant (1).
Genome position (GRCh38, 1-based): chr5:138,783,255, G>T. VCF-style: chr5-138783255-G-T. GRCh37 (hg19) VCF-style: chr5-138118944-G-T.
Other names: c.184G>T, p.Ala62Ser (NM_001290307.3, NM_001323982.2, NM_001323983.1 and 3 more transcripts); c.-23G>T (NM_001290310.3); c.-9+1226G>T (NM_001290309.3); c.184G>T (NM_001903.2); short protein forms A62S.
Identifiers: ClinVar variation 1040901 (VCV001040901.11), dbSNP rs1252911927, ClinGen allele CA361477429.